The following is an entry in ClinVar:

ClinVar aggregate classification (germline): Uncertain significance. Review status: criteria provided, multiple submitters, no conflicts (2 of 4 stars). 3 submissions from 3 submitters: Uncertain significance (3). Last evaluated 2026-02-21.

Conditions:
Familial sleep-related hypermotor epilepsy. Also called: Autosomal Dominant Sleep-Related Hypermotor (Hyperkinetic) Epilepsy. Identifiers: Orphanet 98784, MedGen C3696898, MONDO:0000030.

Allele frequency attached by ClinVar (database versions not stated): gnomAD exomes below 0.00001; gnomAD 0.00001; ESP Exome Variant Server 0.00008; ExAC 0.00001; TOPMed 0.00002.

Submissions (3):

GeneDx
Classification: Uncertain significance. Last evaluated: 2026-02-21. Review status: criteria provided, single submitter. Criteria: GeneDx Variant Classification Process June 2021. Collection method: clinical testing. Allele origin: germline.
Comment: Not observed at significant frequency in large population cohorts (gnomAD); Has not been previously published as pathogenic or benign to our knowledge; Canonical splice site variant in a gene for which loss of function is not an established mechanism of disease

Labcorp Genetics (formerly Invitae), Labcorp
Classification: Uncertain significance. Last evaluated: 2023-11-06. Review status: criteria provided, single submitter. Criteria: Invitae Variant Classification Sherloc (09022015). Collection method: clinical testing. Allele origin: germline.
Comment: This sequence change affects a donor splice site in intron 4 of the CHRNA4 gene. It is expected to disrupt RNA splicing. Variants that disrupt the donor or acceptor splice site typically lead to a loss of protein function (PMID: 16199547), however the current clinical and genetic evidence is not sufficient to establish whether loss-of-function variants in CHRNA4 cause disease. This variant is present in population databases (rs139129197, gnomAD 0.007%). This variant has not been reported in the literature in individuals affected with CHRNA4-related conditions. ClinVar contains an entry for this variant (Variation ID: 804690). Algorithms developed to predict the effect of sequence changes on RNA splicing suggest that this variant may disrupt the consensus splice site. In summary, the available evidence is currently insufficient to determine the role of this variant in disease. Therefore, it has been classified as a Variant of Uncertain Significance.

Athena Diagnostics
Classification: Uncertain significance. Last evaluated: 2019-01-22. Review status: criteria provided, single submitter. Criteria: Athena Diagnostics Criteria. Collection method: clinical testing. Allele origin: germline.

Literature cited by the submitters: PubMed 16199547 (cited by Labcorp Genetics (formerly Invitae), Labcorp).

NM_000744.7(CHRNA4):c.383+1G>A

Genes: CHRNA4 (cholinergic receptor nicotinic alpha 4 subunit; minus strand), LOC126863087 (P300/CBP strongly-dependent group 1 enhancer GRCh37_chr20:61986832-61988031; plus strand). Cytogenetic location: 20q13.33.
Variant type: single nucleotide variant.
Coding change: c.383+1G>A on transcript NM_000744.7 (MANE Select); the canonical splice donor site of the intron after coding-DNA position 383, G replaced by A.
Molecular consequence: splice donor variant. On other transcripts: 5 prime UTR variant (1).
Genome position (GRCh38, 1-based): chr20:63,355,974, C>T on the plus strand (G>A on the coding strand, the complement: CHRNA4 is on the minus strand). VCF-style: chr20-63355974-C-T. GRCh37 (hg19) VCF-style: chr20-61987326-C-T.
Other names: c.-163G>A (NM_001256573.2).
Identifiers: ClinVar variation 804690 (VCV000804690.5), dbSNP rs139129197, ClinGen allele CA9957856.